The following is an entry in ClinVar:

NM_020999.4(NEUROG3):c.117del (p.Thr40fs)

Gene: NEUROG3 (neurogenin 3; minus strand). Cytogenetic location: 10q22.1.
Variant type: Deletion.
Coding change: c.117del on transcript NM_020999.4 (MANE Select); coding-DNA position 117, one base deleted (C; older notation c.117delC).
Protein change: p.Thr40fs; shifts the reading frame from threonine 40.
Molecular consequence: frameshift variant.
Genome position (GRCh38, 1-based): chr10:69,572,927, G deleted on the plus strand (C on the coding strand, the reverse complement: NEUROG3 is on the minus strand); the first of 4 consecutive G bases (chr10:69,572,927-69,572,930); deleting any one gives the same sequence. VCF-style (leftmost placement, unchanged base first): chr10-69572926-TG-T. GRCh37 (hg19) VCF-style: chr10-71332682-TG-T.
Other names: short protein forms T40fs.
Identifiers: ClinVar variation 1917901 (VCV001917901.6), dbSNP rs747088640, ClinGen allele CA5533774.

ClinVar aggregate classification (germline): Pathogenic/Likely pathogenic. Review status: criteria provided, multiple submitters, no conflicts (2 of 4 stars). 2 submissions from 2 submitters: Pathogenic (1); Likely pathogenic (1). Last evaluated 2024-04-25.

Conditions:
Congenital malabsorptive diarrhea 4. Also called: ENTERIC ANENDOCRINOSIS; DIARRHEA 4, MALABSORPTIVE, CONGENITAL, WITH DIABETES MELLITUS AND COMBINED PITUITARY HORMONE DEFICIENCY. Identifiers: Orphanet 83620, MedGen C1835888, MONDO:0012479, OMIM 610370, HP:6001346.

Submissions (2):

Labcorp Genetics (formerly Invitae), Labcorp
Classification: Pathogenic. Last evaluated: 2024-04-25. Review status: criteria provided, single submitter. Criteria: Invitae Variant Classification Sherloc (09022015). Collection method: clinical testing. Allele origin: germline.
Comment: This sequence change creates a premature translational stop signal (p.Thr40Leufs*38) in the NEUROG3 gene. While this is not anticipated to result in nonsense mediated decay, it is expected to disrupt the last 175 amino acid(s) of the NEUROG3 protein. This variant is present in population databases (rs747088640, gnomAD 0.01%). This premature translational stop signal has been observed in individuals with congenital malabsorptive diarrhea (PMID: 25901096, 31805014). ClinVar contains an entry for this variant (Variation ID: 1917901). Algorithms developed to predict the effect of variants on protein structure and function are not available or were not evaluated for this variant. Experimental studies have shown that this premature translational stop signal affects NEUROG3 function (PMID: 31805014). For these reasons, this variant has been classified as Pathogenic.

3billion
Classification: Likely pathogenic for Congenital malabsorptive diarrhea 4. Last evaluated: 2023-09-04. Review status: criteria provided, single submitter. Criteria: ACMG Guidelines, 2015. Collection method: clinical testing. Allele origin: germline. Affected: yes.
Comment: The variant is observed at an extremely low frequency in the gnomAD v2.1.1 dataset (total allele frequency: 0.002%). Predicted Consequence/Location: Frameshift: predicted to result in a loss or disruption of normal protein function through protein truncation. The predicted truncated protein may be shortened by more than 10%. The variant has been reported to be associated with NEUROG3 related disorder (ClinVar ID: VCV001917901 /PMID: 31805014). Therefore, this variant is classified as Likely pathogenic according to the recommendation of ACMG/AMP guideline.

Literature cited by the submitters: PubMed 25901096 (cited by Labcorp Genetics (formerly Invitae), Labcorp); PubMed 31805014 (cited by Labcorp Genetics (formerly Invitae), Labcorp and 3billion).